The following is an entry in ClinVar:

ClinVar aggregate classification (germline): Uncertain significance (1 of 4 stars; one submission).

Submission:

GeneDx
Classification: Uncertain significance. Last evaluated: 2022-07-13. Review status: criteria provided, single submitter. Criteria: GeneDx Variant Classification Process June 2021. Collection method: clinical testing. Allele origin: germline. Affected: yes.
Comment: Not observed at significant frequency in large population cohorts (gnomAD); In silico analysis supports that this missense variant has a deleterious effect on protein structure/function; Has not been previously published as pathogenic or benign to our knowledge

NM_182641.4(BPTF):c.5603G>A (p.Arg1868Gln)

Gene: BPTF (bromodomain PHD finger transcription factor; plus strand). Cytogenetic location: 17q24.2.
Variant type: single nucleotide variant.
Coding change: c.5603G>A on transcript NM_182641.4 (MANE Select); coding-DNA position 5603, G replaced by A.
Protein change: p.Arg1868Gln; replaces arginine 1868 with glutamine.
Molecular consequence: missense variant.
Genome position (GRCh38, 1-based): chr17:67,922,885, G>A. VCF-style: chr17-67922885-G-A. GRCh37 (hg19) VCF-style: chr17-65919001-G-A.
Other names: c.5981G>A, p.Arg1994Gln (NM_004459.7); short protein forms R1868Q, R1994Q.
Identifiers: ClinVar variation 1878943 (VCV001878943.1), dbSNP rs2511797122, ClinGen allele CA400733781.